The following is an entry in ClinVar:

ClinVar aggregate classification (germline): Uncertain significance (1 of 4 stars; one submission).

Allele frequency attached by ClinVar (database versions not stated): gnomAD exomes below 0.00001.
gnomAD v4.1: 1 of 1,562,362 alleles (0.000064%); highest among the groups gnomAD compares: Non-Finnish European, 0.000088%; no homozygotes.

Submission:

Labcorp Genetics (formerly Invitae), Labcorp
Classification: Uncertain significance. Last evaluated: 2022-07-12. Review status: criteria provided, single submitter. Criteria: Invitae Variant Classification Sherloc (09022015). Collection method: clinical testing. Allele origin: germline.
Comment: In summary, the available evidence is currently insufficient to determine the role of this variant in disease. Therefore, it has been classified as a Variant of Uncertain Significance. Variants that disrupt the consensus splice site are a relatively common cause of aberrant splicing (PMID: 17576681, 9536098). Algorithms developed to predict the effect of sequence changes on RNA splicing suggest that this variant may disrupt the consensus splice site. ClinVar contains an entry for this variant (Variation ID: 1437917). This variant has not been reported in the literature in individuals affected with MME-related conditions. This variant is not present in population databases (gnomAD no frequency). This sequence change falls in intron 15 of the MME gene. It does not directly change the encoded amino acid sequence of the MME protein. It affects a nucleotide within the consensus splice site.

Literature cited by the submitters: PubMed 17576681; PubMed 9536098.

NM_007289.4(MME):c.1497+5G>A

Gene: MME (membrane metalloendopeptidase; plus strand). Cytogenetic location: 3q25.2.
Variant type: single nucleotide variant.
Coding change: c.1497+5G>A on transcript NM_007289.4 (MANE Select); 5 bases into the intron after coding-DNA position 1497, G replaced by A.
Molecular consequence: intron variant.
Genome position (GRCh38, 1-based): chr3:155,147,229, G>A. VCF-style: chr3-155147229-G-A. GRCh37 (hg19) VCF-style: chr3-154865018-G-A.
Other names: c.1497+5G>A (NM_001354642.2, NM_000902.5, NM_007287.4 and 2 more transcripts).
Identifiers: ClinVar variation 1437917 (VCV001437917.6), dbSNP rs1721587504, ClinGen allele CA2573136630.